The following is an entry in ClinVar:

ClinVar aggregate classification (germline): Uncertain significance (1 of 4 stars; one submission).

Conditions:
Familial isolated arrhythmogenic right ventricular dysplasia. Identifiers: Orphanet 217656, MedGen C4274968, MONDO:0016342.

Submission:

All of Us Research Program, National Institutes of Health
Classification: Uncertain significance for Familial isolated arrhythmogenic right ventricular dysplasia. Last evaluated: 2023-07-10. Review status: criteria provided, single submitter. Criteria: ACMG Guidelines, 2015. Collection method: clinical testing. Allele origin: germline. Inheritance: Autosomal dominant inheritance. Observed: 1 variant allele, 1 heterozygote.
Comment: This missense variant replaces threonine with serine at codon 84 of the DSC2 protein. Computational prediction suggests that this variant may not impact protein structure and function (internally defined REVEL score threshold <= 0.5, PMID: 27666373). To our knowledge, functional studies have not been reported for this variant. This variant has not been reported in individuals affected with DSC2-related disorders in the literature. This variant has not been identified in the general population by the Genome Aggregation Database (gnomAD). The available evidence is insufficient to determine the role of this variant in disease conclusively. Therefore, this variant is classified as a Variant of Uncertain Significance.

This study involves interpretation of variants in research participants for the purpose of population health screening. Participant phenotype was not available at the time of variant classification. Additional details can be found in publication PMID: 35346344, PMCID: PMC8962531

NM_024422.6(DSC2):c.251C>G (p.Thr84Ser)

Gene: DSC2 (desmocollin 2; minus strand). Cytogenetic location: 18q12.1.
Variant type: single nucleotide variant.
Coding change: c.251C>G on transcript NM_024422.6 (MANE Select); coding-DNA position 251, C replaced by G.
Protein change: p.Thr84Ser; replaces threonine 84 with serine.
Molecular consequence: missense variant. On other transcripts: 5 prime UTR variant (2).
Genome position (GRCh38, 1-based): chr18:31,092,204, G>C on the plus strand (C>G on the coding strand, the complement: DSC2 is on the minus strand). VCF-style: chr18-31092204-G-C. GRCh37 (hg19) VCF-style: chr18-28672167-G-C.
Other names: c.-179C>G (NM_001406506.1, NM_001406507.1); c.251C>G, p.Thr84Ser (NM_004949.5); short protein forms T84S.
Identifiers: ClinVar variation 3072369 (VCV003072369.1), dbSNP rs2510956151, ClinGen allele CA402114786.